The following is an entry in ClinVar:

NM_000282.4(PCCA):c.548T>G (p.Leu183Ter)

Gene: PCCA (propionyl-CoA carboxylase subunit alpha; plus strand). Cytogenetic location: 13q32.3.
Variant type: single nucleotide variant.
Coding change: c.548T>G on transcript NM_000282.4 (MANE Select); coding-DNA position 548, T replaced by G.
Protein change: p.Leu183Ter; replaces leucine 183 with a stop codon.
Molecular consequence: nonsense. On other transcripts: 5 prime UTR variant (3), non-coding transcript variant (5).
Genome position (GRCh38, 1-based): chr13:100,209,411, T>G. VCF-style: chr13-100209411-T-G. GRCh37 (hg19) VCF-style: chr13-100861665-T-G.
Other names: c.470T>G, p.Leu157Ter (NM_001127692.3, NM_001352607.2, NM_001352608.2); c.548T>G, p.Leu183Ter (NM_001178004.2, NM_001352605.2, NM_001352606.2 and 1 more transcripts); c.-319T>G (NM_001352610.2, NM_001352611.2, NM_001352612.2); short protein forms L183*, L157*.
Identifiers: ClinVar variation 218263 (VCV000218263.2), dbSNP rs879253811, ClinGen allele CA10575825.

ClinVar aggregate classification (germline): Pathogenic (1 of 4 stars; one submission).

Conditions:
Propionic acidemia (PROP). Also called: GLYCINEMIA, KETOTIC; HYPERGLYCINEMIA WITH KETOACIDOSIS AND LEUKOPENIA; KETOTIC HYPERGLYCINEMIA. Identifiers: Orphanet 35, MedGen C0268579, MONDO:0011628, OMIM 606054, HP:0003571.

Submission:

Institute of Medical Genetics and Genomics, Sir Ganga Ram Hospital
Classification: Pathogenic for Propionic Acidemia. Last evaluated: 2014-01-01. Review status: criteria provided, single submitter. Criteria: Gupta et al. (Genet Test Mol Biomarkers 2016). Collection method: research. Allele origin: germline. Affected: yes. Observed: 1 variant allele. Study: ORGANIC ACIDURIAS.
Comment: Nonsense mutation